The following is an entry in ClinVar:

ClinVar aggregate classification (germline): Likely benign. Review status: criteria provided, multiple submitters, no conflicts (2 of 4 stars). 2 submissions from 2 submitters: Likely benign (2). Last evaluated 2018-06-16.

Allele frequency attached by ClinVar (database versions not stated): gnomAD 0.00832 and 0.00859; TOPMed 0.00894; 1000 Genomes Project 30x 0.01374; 1000 Genomes Project 0.01418.
gnomAD v4.1: 2,644 of 1,096,542 alleles (0.24%); highest among the groups gnomAD compares: African/African-American, 2.7%; 27 homozygotes.

Submissions (2):

GeneDx
Classification: Likely benign. Last evaluated: 2018-06-16. Review status: criteria provided, single submitter. Criteria: GeneDx Variant Classification (06012015). Collection method: clinical testing. Allele origin: germline. Affected: yes.
Comment: This variant is considered likely benign or benign based on one or more of the following criteria: it is a conservative change, it occurs at a poorly conserved position in the protein, it is predicted to be benign by multiple in silico algorithms, and/or has population frequency not consistent with disease.

Breakthrough Genomics
Classification: Likely benign. Review status: criteria provided, single submitter. Criteria: ACMG Guidelines, 2015. Collection method: not provided. Allele origin: germline. Inheritance: Autosomal dominant inheritance. Affected: yes.

NM_000719.7(CACNA1C):c.1113+78C>T

Gene: CACNA1C (calcium voltage-gated channel subunit alpha1 C; plus strand). Cytogenetic location: 12p13.33.
Variant type: single nucleotide variant.
Coding change: c.1113+78C>T on transcript NM_000719.7 (MANE Select); 78 bases into the intron after coding-DNA position 1113, C replaced by T.
Molecular consequence: intron variant.
Genome position (GRCh38, 1-based): chr12:2,493,464, C>T. VCF-style: chr12-2493464-C-T. GRCh37 (hg19) VCF-style: chr12-2602630-C-T.
Other names: c.1113+78C>T (NM_001167624.3, NM_001167623.2, NM_001167625.2 and 18 more transcripts); c.1104+78C>T (NM_001129844.2).
Identifiers: ClinVar variation 676393 (VCV000676393.2), dbSNP rs112041316, ClinGen allele CA231597817.
Genomic context (GRCh38, chr12:2,493,464, plus strand): 5'-GCAGTCAGAGGGTGGGGGAACAGCGGCCGTGAACCCTTCCCTGACACCTCCCTTTCTCCT[C>T]CTCCCCATGGTCTTGGGGTCACATACGCATCTTGATGGAATGGTTGATGAAGAGCGTCTT-3'